The following is an entry in ClinVar:

ClinVar aggregate classification (germline): Uncertain significance (0 of 4 stars; one submission).

Conditions:
SIM1-related disorder. Also called: SIM1-related condition; SIM1-related disorders.

Submission:

PreventionGenetics, part of Exact Sciences
Classification: Uncertain significance for SIM1-related condition. Last evaluated: 2024-05-22. Review status: no assertion criteria provided. Collection method: clinical testing. Allele origin: germline.
Comment: The SIM1 c.635_640del6 variant is predicted to result in an in-frame deletion (p.Ala212_Val213del). To our knowledge, this variant has not been reported in the literature. This variant is reported in 0.0058% of alleles in individuals of Latino descent in gnomAD. At this time, the clinical significance of this variant is uncertain due to the absence of conclusive functional and genetic evidence.

NM_005068.3(SIM1):c.635_640del (p.Ala212_Val213del)

Gene: SIM1 (SIM bHLH transcription factor 1; minus strand). Cytogenetic location: 6q16.3.
Variant type: Deletion.
Coding change: c.635_640del on transcript NM_005068.3 (MANE Select); coding-DNA positions 635 to 640, 6 bases deleted (CCGTGG; older notation c.635_640delCCGTGG).
Protein change: p.Ala212_Val213del.
Molecular consequence: inframe deletion.
Genome position (GRCh38, 1-based): chr6:100,448,582-100,448,587, CCACGG deleted on the plus strand (CCGTGG on the coding strand, the reverse complement: SIM1 is on the minus strand); deleting any 6 consecutive bases within chr6:100,448,582-100,448,591 gives the same sequence; the c. name uses the placement nearest the transcript's 3' end. VCF-style (leftmost placement, unchanged base first): chr6-100448581-CCCACGG-C. GRCh37 (hg19) VCF-style: chr6-100896457-CCCACGG-C.
Other names: c.635_640del, p.Ala212_Val213del (NM_001374769.1).
Identifiers: ClinVar variation 3344659 (VCV003344659.1).
Genomic context (GRCh38, chr6:100,448,581, plus strand): 5'-AACATAAACATATTGCTGTGTAGCTTGATCTCCGTGACGGCGCTGGGAGGCAGCGAGTGG[CCCACGG>C]CCACCAGGCCCACGTTTTGGTAGCAGCCGTCGAAGGGGGACATGTCCAGGCTGTACTGGC-3'